The following is an entry in ClinVar:

ClinVar aggregate classification (germline): Likely benign (1 of 4 stars; one submission).

Submission:

Women's Health and Genetics/Laboratory Corporation of America, LabCorp
Classification: Likely benign. Last evaluated: 2026-06-03. Review status: criteria provided, single submitter. Criteria: LabCorp Variant Classification Summary - May 2015. Collection method: clinical testing. Allele origin: germline.
Comment: Variant summary: RERE c.1740+320_1740+321delCT is located at a position not widely known to affect splicing. Consensus agreement among computation tools predict no significant impact on normal splicing. However, these predictions have yet to be confirmed by functional studies. The variant was absent in 29836 control chromosomes. The available data on variant occurrences in the general population are insufficient to allow any conclusion about variant significance. To our knowledge, no occurrence of c.1740+320_1740+321delCT in individuals affected with RERE-related conditions and no experimental evidence demonstrating its impact on protein function have been reported. No submitters have cited clinical-significance assessments for this variant to ClinVar. Based on the evidence outlined above, the variant was classified as likely benign.

NM_001042681.2(RERE):c.1740+320_1740+321del

Gene: RERE (arginine-glutamic acid dipeptide repeats; minus strand). Cytogenetic location: 1p36.23.
Variant type: Microsatellite.
Coding change: c.1740+320_1740+321del on transcript NM_001042681.2 (MANE Select); bases 320 to 321 of the intron after coding-DNA position 1740, 2 bases deleted (CT; older notation c.1740+320_1740+321delCT).
Molecular consequence: intron variant.
Genome position (GRCh38, 1-based): chr1:8,363,735-8,363,736, AG deleted on the plus strand (CT on the coding strand, the reverse complement: RERE is on the minus strand); deleting any 2 consecutive bases within chr1:8,363,735-8,363,739 gives the same sequence; the c. name uses the placement nearest the transcript's 3' end. VCF-style (leftmost placement, unchanged base first): chr1-8363734-CAG-C. GRCh37 (hg19) VCF-style: chr1-8423794-CAG-C.
Other names: c.1740+320_1740+321del (NM_012102.4); c.78+320_78+321del (NM_001042682.2); c.1740+320_1740+321delCT (NM_012102.4).
Identifiers: ClinVar variation 4887556 (VCV004887556.1).